The following is an entry in ClinVar:

NM_005918.4(MDH2):c.1007C>G (p.Thr336Ser)

Gene: MDH2 (malate dehydrogenase 2; plus strand). Cytogenetic location: 7q11.23.
Variant type: single nucleotide variant.
Coding change: c.1007C>G on transcript NM_005918.4 (MANE Select); coding-DNA position 1007, C replaced by G.
Protein change: p.Thr336Ser; replaces threonine 336 with serine.
Molecular consequence: missense variant.
Genome position (GRCh38, 1-based): chr7:76,066,400, C>G. VCF-style: chr7-76066400-C-G. GRCh37 (hg19) VCF-style: chr7-75695718-C-G.
Other names: c.881C>G, p.Thr294Ser (NM_001282403.2); c.686C>G, p.Thr229Ser (NM_001282404.2); short protein forms T229S, T294S, T336S.
Identifiers: ClinVar variation 3225175 (VCV003225175.1), dbSNP rs1554587913, ClinGen allele CA367770274.

ClinVar aggregate classification (germline): Uncertain significance (1 of 4 stars; one submission).

Conditions:
Inborn genetic diseases. Identifiers: MedGen C0950123, MeSH D030342.

Submission:

Ambry Genetics
Classification: Uncertain significance for Inborn genetic diseases. Last evaluated: 2023-10-08. Review status: criteria provided, single submitter. Criteria: Ambry Variant Classification Scheme 2023. Collection method: clinical testing. Allele origin: germline.
Comment: The p.T336S variant (also known as c.1007C>G), located in coding exon 9 of the MDH2 gene, results from a C to G substitution at nucleotide position 1007. The threonine at codon 336 is replaced by serine, an amino acid with similar properties. This amino acid position is conserved. In addition, this alteration is predicted to be tolerated by in silico analysis. Since supporting evidence is limited at this time, the clinical significance of this alteration remains unclear.